The following is an entry in ClinVar:

NM_024422.6(DSC2):c.475-15A>G

Gene: DSC2 (desmocollin 2; minus strand). Cytogenetic location: 18q12.1.
Variant type: single nucleotide variant.
Coding change: c.475-15A>G on transcript NM_024422.6 (MANE Select); 15 bases into the intron before coding-DNA position 475, A replaced by G.
Molecular consequence: intron variant.
Genome position (GRCh38, 1-based): chr18:31,089,609, T>C on the plus strand (A>G on the coding strand, the complement: DSC2 is on the minus strand). VCF-style: chr18-31089609-T-C. GRCh37 (hg19) VCF-style: chr18-28669572-T-C.
Other names: c.475-15A>G (NM_004949.5); c.46-15A>G (NM_001406506.1, NM_001406507.1).
Identifiers: ClinVar variation 3070799 (VCV003070799.1), dbSNP rs2510953951, ClinGen allele CA2641389100.

ClinVar aggregate classification (germline): Uncertain significance (1 of 4 stars; one submission).

Conditions:
Familial isolated arrhythmogenic right ventricular dysplasia. Identifiers: Orphanet 217656, MedGen C4274968, MONDO:0016342.

Allele frequency attached by ClinVar (database versions not stated): gnomAD exomes below 0.00001.
gnomAD v4.1: 1 of 1,610,748 alleles (0.000062%); highest among the groups gnomAD compares: Non-Finnish European, 0.000085%; no homozygotes.

Submission:

All of Us Research Program, National Institutes of Health
Classification: Uncertain significance for Familial isolated arrhythmogenic right ventricular dysplasia. Last evaluated: 2023-05-04. Review status: criteria provided, single submitter. Criteria: ACMG Guidelines, 2015. Collection method: clinical testing. Allele origin: germline. Inheritance: Autosomal dominant inheritance. Observed: 1 variant allele, 1 heterozygote.
Comment: This variant causes an A to G nucleotide substitution at the -15 position of intron 4 of the DSC2 gene. To our knowledge, functional studies have not been reported for this variant. This variant has not been reported in individuals affected with DSC2-related disorders in the literature. This variant has not been identified in the general population by the Genome Aggregation Database (gnomAD). The available evidence is insufficient to determine the role of this variant in disease conclusively. Therefore, this variant is classified as a Variant of Uncertain Significance.

This study involves interpretation of variants in research participants for the purpose of population health screening. Participant phenotype was not available at the time of variant classification. Additional details can be found in publication PMID: 35346344, PMCID: PMC8962531